The following is an entry in ClinVar:

NM_002691.4(POLD1):c.1772A>G (p.Lys591Arg)

Gene: POLD1 (DNA polymerase delta 1, catalytic subunit; plus strand). Cytogenetic location: 19q13.33.
Variant type: single nucleotide variant.
Coding change: c.1772A>G on transcript NM_002691.4 (MANE Select); coding-DNA position 1772, A replaced by G.
Protein change: p.Lys591Arg; replaces lysine 591 with arginine.
Molecular consequence: missense variant. On other transcripts: non-coding transcript variant (1).
Genome position (GRCh38, 1-based): chr19:50,407,412, A>G. VCF-style: chr19-50407412-A-G. GRCh37 (hg19) VCF-style: chr19-50910669-A-G.
Other names: c.1772A>G, p.Lys591Arg (NM_001256849.1, NM_001308632.1); short protein forms K591R.
Identifiers: ClinVar variation 659808 (VCV000659808.8), dbSNP rs1601221398, ClinGen allele CA406981407.
Genomic context (GRCh38, chr19:50,407,412, plus strand): 5'-CCGTGGTGAAGTCAGAGGGCGGCGAGGACTACACGGGAGCCACTGTCATCGAGCCCCTCA[A>G]AGGGTGAGGCCCCAGGCTGGGTGCAGTTTTTACCTGTAATCTCTGGGAGGCTGAGGTGGG-3'
Protein context (NP_002682.2, residues 581-601): YTGATVIEPL[Lys591Arg]GYYDVPIATL

ClinVar aggregate classification (germline): Uncertain significance (1 of 4 stars; one submission).

Conditions:
POLD1-related polyposis and colorectal cancer syndrome (CRCS10). Also called: Colorectal cancer, susceptibility to, 10; Colorectal cancer 10; COLORECTAL CANCER, SUSCEPTIBILITY TO, ON CHROMOSOME 19q. Identifiers: Orphanet 220460, MedGen C2675481, MONDO:0012953, OMIM 612591.

Submission:

Labcorp Genetics (formerly Invitae), Labcorp
Classification: Uncertain significance for POLD1-related polyposis and colorectal cancer syndrome. Last evaluated: 2025-03-02. Review status: criteria provided, single submitter. Criteria: Invitae Variant Classification Sherloc (09022015). Collection method: clinical testing. Allele origin: germline.
Comment: This sequence change replaces lysine, which is basic and polar, with arginine, which is basic and polar, at codon 591 of the POLD1 protein (p.Lys591Arg). This variant is not present in population databases (gnomAD no frequency). This variant has not been reported in the literature in individuals affected with POLD1-related conditions. ClinVar contains an entry for this variant (Variation ID: 659808). Invitae Evidence Modeling of protein sequence and biophysical properties (such as structural, functional, and spatial information, amino acid conservation, physicochemical variation, residue mobility, and thermodynamic stability) indicates that this missense variant is not expected to disrupt POLD1 protein function with a negative predictive value of 80%. In summary, the available evidence is currently insufficient to determine the role of this variant in disease. Therefore, it has been classified as a Variant of Uncertain Significance.